The following is an entry in ClinVar:

ClinVar aggregate classification (germline): Uncertain significance. Review status: criteria provided, multiple submitters, no conflicts (2 of 4 stars). 4 submissions from 4 submitters: Uncertain significance (4). Last evaluated 2025-09-14.

Conditions:
Early-infantile DEE. Also called: Early infantile epileptic encephalopathy; Ohtahara syndrome; Early infantile epileptic encephalopathy with suppression bursts. Identifiers: Orphanet 1934, MedGen C0393706, MONDO:0800491.
Developmental and epileptic encephalopathy, 13 (DEE13). Also called: Developmental and Epileptic Encephalopathy (SCN8A-DEE); SCN8A-Related Epilepsy; Early infantile epileptic encephalopathy 13. Identifiers: Orphanet 442835, MedGen C3281191, MONDO:0013801, OMIM 614558.

Allele frequency attached by ClinVar (database versions not stated): ExAC 0.00001; gnomAD 0.00001; gnomAD exomes 0.00001; TOPMed 0.00001.
gnomAD v4.1: 14 of 1,610,684 alleles (0.00087%); highest among the groups gnomAD compares: Non-Finnish European, 0.0012%; no homozygotes.

Submissions (4):

Labcorp Genetics (formerly Invitae), Labcorp
Classification: Uncertain significance for Early-infantile DEE. Last evaluated: 2025-09-14. Review status: criteria provided, single submitter. Criteria: Invitae Variant Classification Sherloc (09022015). Collection method: clinical testing. Allele origin: germline.
Comment: This sequence change replaces serine, which is neutral and polar, with threonine, which is neutral and polar, at codon 1103 of the SCN8A protein (p.Ser1103Thr). This variant is present in population databases (rs747193336, gnomAD 0.002%). This variant has not been reported in the literature in individuals affected with SCN8A-related conditions. ClinVar contains an entry for this variant (Variation ID: 813814). Invitae Evidence Modeling of protein sequence and biophysical properties (such as structural, functional, and spatial information, amino acid conservation, physicochemical variation, residue mobility, and thermodynamic stability) indicates that this missense variant is expected to disrupt SCN8A protein function with a positive predictive value of 95%. In summary, the available evidence is currently insufficient to determine the role of this variant in disease. Therefore, it has been classified as a Variant of Uncertain Significance.

Women's Health and Genetics/Laboratory Corporation of America, LabCorp
Classification: Uncertain significance. Last evaluated: 2024-08-02. Review status: criteria provided, single submitter. Criteria: LabCorp Variant Classification Summary - May 2015. Collection method: clinical testing. Allele origin: germline.
Comment: Variant summary: SCN8A c.3307T>A (p.Ser1103Thr) results in a conservative amino acid change located in the Sodium ion transport-associated domain (IPR010526) of the encoded protein sequence. Three of five in-silico tools predict a damaging effect of the variant on protein function. The variant allele was found at a frequency of 4e-06 in 249738 control chromosomes. The available data on variant occurrences in the general population are insufficient to allow any conclusion about variant significance. To our knowledge, no occurrence of c.3307T>A in individuals affected with Early Infantile Epileptic Encephalopathy 13 and no experimental evidence demonstrating its impact on protein function have been reported. ClinVar contains an entry for this variant (Variation ID: 813814). Based on the evidence outlined above, the variant was classified as uncertain significance.

CeGaT Center for Human Genetics Tuebingen
Classification: Uncertain significance. Last evaluated: 2023-08-01. Review status: criteria provided, single submitter. Criteria: CeGaT Center For Human Genetics Tuebingen Variant Classification Criteria Version 2. Collection method: clinical testing. Allele origin: germline. Affected: yes. Observed: 1 variant allele.
Comment: SCN8A: PP2, PP3

Cytogénomique, Hospices Civils de Lyon
Classification: Uncertain significance for Developmental and epileptic encephalopathy, 13. Last evaluated: 2017-12-29. Review status: criteria provided, single submitter. Criteria: ACMG Guidelines, 2015. Collection method: clinical testing. Allele origin: unknown. Inheritance: Autosomal dominant inheritance. Affected: yes.

NM_001330260.2(SCN8A):c.3307T>A (p.Ser1103Thr)

Gene: SCN8A (sodium voltage-gated channel alpha subunit 8; plus strand). Cytogenetic location: 12q13.13.
Variant type: single nucleotide variant.
Coding change: c.3307T>A on transcript NM_001330260.2 (MANE Select); coding-DNA position 3307, T replaced by A.
Protein change: p.Ser1103Thr; replaces serine 1103 with threonine.
Molecular consequence: missense variant.
Genome position (GRCh38, 1-based): chr12:51,769,270, T>A. VCF-style: chr12-51769270-T-A. GRCh37 (hg19) VCF-style: chr12-52163054-T-A.
Other names: c.3307T>A, p.Ser1103Thr (NM_001177984.3, NM_001369788.1, NM_014191.4); short protein forms S1103T.
Identifiers: ClinVar variation 813814 (VCV000813814.27), dbSNP rs747193336, ClinGen allele CA6571576.